The following is an entry in ClinVar:

ClinVar aggregate classification (germline): Uncertain significance. Review status: criteria provided, multiple submitters, no conflicts (2 of 4 stars). 2 submissions from 2 submitters: Uncertain significance (2). Last evaluated 2017-06-24.

Conditions:
Catecholaminergic polymorphic ventricular tachycardia 1. Also called: VENTRICULAR TACHYCARDIA, STRESS-INDUCED POLYMORPHIC 1; VENTRICULAR TACHYCARDIA, CATECHOLAMINERGIC POLYMORPHIC, 1, WITH OR WITHOUT ATRIAL DYSFUNCTION AND/OR DILATED CARDIOMYOPATHY; RYR2-Related Catecholaminergic Polymorphic Ventricular Tachycardia. Identifiers: Orphanet 3286, MedGen C1631597, MONDO:0011484, OMIM 604772.

Submissions (2):

Labcorp Genetics (formerly Invitae), Labcorp
Classification: Uncertain significance for Catecholaminergic polymorphic ventricular tachycardia 1. Last evaluated: 2017-06-24. Review status: criteria provided, single submitter. Criteria: Invitae Variant Classification Sherloc (09022015). Collection method: clinical testing. Allele origin: germline.
Comment: This variant is not present in population databases (ExAC no frequency). This variant does not occur within one of the three regions of the RYR2 gene (N-terminal domain, central domain, or channel region) where other pathogenic variants have been reported to cluster (PMID: 19926015). In summary, the available evidence is currently insufficient to determine the role of this variant in disease. Therefore, it has been classified as a Variant of Uncertain Significance. Algorithms developed to predict the effect of missense changes on protein structure and function do not agree on the potential impact of this missense change (SIFT: "Deleterious"; PolyPhen-2: "Possibly Damaging"; Align-GVGD: "Class C0"). This variant has not been reported in the literature in individuals with a RYR2-related disease. This sequence change replaces isoleucine with methionine at codon 2009 of the RYR2 protein (p.Ile2009Met). The isoleucine residue is highly conserved and there is a small physicochemical difference between isoleucine and methionine.

Women's Health and Genetics/Laboratory Corporation of America, LabCorp
Classification: Uncertain significance. Last evaluated: 2016-10-13. Review status: criteria provided, single submitter. Criteria: LabCorp Variant Classification Summary - May 2015. Collection method: clinical testing. Allele origin: germline.
Comment: Variant summary: The RYR2 c.6027T>G (p.Ile2009Met) variant involves the alteration of a non- conserved nucleotide and 4/5 in silico tools predicting a benign outcome. The variant is absent from control dataset of ExAC (120306 chrs tested) and has not, to our knowledge, been reported in affected individuals via published reports or cited by a reputable database/clinical laboratory. Taking together, the variant was classified as VUS.

Literature cited by the submitters: PubMed 19926015 (cited by Labcorp Genetics (formerly Invitae), Labcorp).

NM_001035.3(RYR2):c.6027T>G (p.Ile2009Met)

Gene: RYR2 (ryanodine receptor 2; plus strand). Cytogenetic location: 1q43.
Variant type: single nucleotide variant.
Coding change: c.6027T>G on transcript NM_001035.3 (MANE Select); coding-DNA position 6027, T replaced by G.
Protein change: p.Ile2009Met; replaces isoleucine 2009 with methionine.
Molecular consequence: missense variant.
Genome position (GRCh38, 1-based): chr1:237,625,665, T>G. VCF-style: chr1-237625665-T-G. GRCh37 (hg19) VCF-style: chr1-237788965-T-G.
Other names: c.6027T>G, p.Ile2009Met (LRG_402t1); short protein forms I2009M.
Identifiers: ClinVar variation 463611 (VCV000463611.10), dbSNP rs1553529773, ClinGen allele CA345408711.